The following is an entry in ClinVar:

ClinVar aggregate classification (germline): Pathogenic (1 of 4 stars; one submission).

Conditions:
Kabuki syndrome 2 (KABUK2). Also called: KDM6A-Related Kabuki Syndrome. Identifiers: Orphanet 2322, MedGen C3275495, MONDO:0010465, OMIM 300867.

Submission:

Labcorp Genetics (formerly Invitae), Labcorp
Classification: Pathogenic for Kabuki syndrome 2. Last evaluated: 2022-06-12. Review status: criteria provided, single submitter. Criteria: Invitae Variant Classification Sherloc (09022015). Collection method: clinical testing. Allele origin: germline.
Comment: For these reasons, this variant has been classified as Pathogenic. Experimental studies and prediction algorithms are not available or were not evaluated, and the functional significance of this variant is currently unknown. A similar copy number variant has been observed in individual(s) with Kabuki syndrome (Invitae). In at least one individual the variant was observed to be de novo. This variant is a gross deletion of the genomic region encompassing exon(s) 3-8 of the KDM6A gene. This variant would be expected to be in-frame, preserving the integrity of the reading frame.

NC_000023.10:g.(?_44820509)_(44896954_?)del

Gene: KDM6A (lysine demethylase 6A; plus strand). Cytogenetic location: Xp11.3.
Variant type: Deletion.
Identifiers: ClinVar variation 2426672 (VCV002426672.4).